The following is an entry in ClinVar:

NC_000016.9:g.(?_78420747)_(78466659_?)del

Gene: WWOX (WW domain containing oxidoreductase; plus strand). Cytogenetic location: 16q23.1.
Variant type: Deletion.
Identifiers: ClinVar variation 1076470 (VCV001076470.1).

ClinVar aggregate classification (germline): Pathogenic (1 of 4 stars; one submission).

Conditions:
Developmental and epileptic encephalopathy, 1 (DEE1). Also called: INFANTILE SPASM SYNDROME, X-LINKED 1; X-linked infantile spasms; West's syndrome; Tonic spasms with clustering, arrest of psychomotor development and hypsarrhythmia on EEG; X-Linked Infantile Spasm Syndrome; OHTAHARA SYNDROME, X-LINKED. Identifiers: MedGen C3463992, MONDO:0010632, OMIM 308350. Disease mechanism: loss of function.
Autosomal recessive spinocerebellar ataxia 12. Also called: SPINOCEREBELLAR ATAXIA WITH MENTAL RETARDATION AND EPILEPSY. Identifiers: Orphanet 284282, MedGen C3280452, MONDO:0013687, OMIM 614322.

Submission:

Labcorp Genetics (formerly Invitae), Labcorp
Classification: Pathogenic for Developmental and epileptic encephalopathy, 1; Autosomal recessive spinocerebellar ataxia 12. Last evaluated: 2020-09-15. Review status: criteria provided, single submitter. Criteria: Invitae Variant Classification Sherloc (09022015). Collection method: clinical testing. Allele origin: germline.
Comment: This variant is an in-frame deletion of the genomic region encompassing exon(s) 6-8 of the WWOX gene. It preserves the integrity of the reading frame. A similar deletion of exons 6-8 has been observed in individual(s) with autosomal recessive early infantile epileptic encephalopathy (PMID: 25411445, 30356099). In at least one individual the data is consistent with the variant being in trans (on the opposite chromosome) from a pathogenic variant. For these reasons, this variant has been classified as Pathogenic.

Literature cited by the submitters: PubMed 25411445; PubMed 30356099.